The following is an entry in ClinVar:

ClinVar aggregate classification (germline): Uncertain significance. Review status: criteria provided, multiple submitters, no conflicts (2 of 4 stars). 2 submissions from 2 submitters: Uncertain significance (2). Last evaluated 2025-12-27.

Conditions:
Osteogenesis imperfecta type I (OI1). Also called: Osteogenesis imperfecta type 1; Lobstein disease; Classic Non-deforming Osteogenesis Imperfecta with Blue Sclerae; OI, TYPE I; OSTEOGENESIS IMPERFECTA TARDA; OSTEOGENESIS IMPERFECTA WITH BLUE SCLERAE. Identifiers: Orphanet 216796, Orphanet 666, MedGen C0023931, MONDO:0008146, OMIM 166200. Disease mechanism: loss of function.

Submissions (2):

Dasa
Classification: Uncertain significance. Last evaluated: 2025-12-27. Review status: criteria provided, single submitter. Criteria: DASA Assertion Criteria. Collection method: clinical testing. Allele origin: germline.
Comment: NM_000088.4(COL1A1):c.974A>G (p.Asp325Gly) is a missense variant that results in the substitution of aspartic acid with glycine. The affected residue or protein region has prior evidence supporting clinical relevance. This variant is absent from population databases. Computational prediction algorithms are consistent with a deleterious effect. The currently available literature and clinical evidence are not sufficient to establish a definitive association between this variant and the reported condition. Therefore, this variant is classified as a variant of uncertain significance.

Labcorp Genetics (formerly Invitae), Labcorp
Classification: Uncertain significance for Osteogenesis imperfecta type I. Last evaluated: 2021-11-24. Review status: criteria provided, single submitter. Criteria: Invitae Variant Classification Sherloc (09022015). Collection method: clinical testing. Allele origin: germline.
Comment: In summary, the available evidence is currently insufficient to determine the role of this variant in disease. Therefore, it has been classified as a Variant of Uncertain Significance. Algorithms developed to predict the effect of missense changes on protein structure and function are either unavailable or do not agree on the potential impact of this missense change (SIFT: "Deleterious"; PolyPhen-2: "Not Available"; Align-GVGD: "Class C65"). This variant has not been reported in the literature in individuals affected with COL1A1-related conditions. This variant is not present in population databases (gnomAD no frequency). This sequence change replaces aspartic acid, which is acidic and polar, with glycine, which is neutral and non-polar, at codon 325 of the COL1A1 protein (p.Asp325Gly).

NM_000088.4(COL1A1):c.974A>G (p.Asp325Gly)

Gene: COL1A1 (collagen type I alpha 1 chain; minus strand). Cytogenetic location: 17q21.33.
Variant type: single nucleotide variant.
Coding change: c.974A>G on transcript NM_000088.4 (MANE Select); coding-DNA position 974, A replaced by G.
Protein change: p.Asp325Gly; replaces aspartic acid 325 with glycine.
Molecular consequence: missense variant.
Genome position (GRCh38, 1-based): chr17:50,196,183, T>C on the plus strand (A>G on the coding strand, the complement: COL1A1 is on the minus strand). VCF-style: chr17-50196183-T-C. GRCh37 (hg19) VCF-style: chr17-48273544-T-C.
Other names: short protein forms D325G.
Identifiers: ClinVar variation 1439302 (VCV001439302.8), dbSNP rs2144579945, ClinGen allele CA400221380.